The following is an entry in ClinVar:

ClinVar aggregate classification (germline): Uncertain significance. Review status: criteria provided, multiple submitters, no conflicts (2 of 4 stars). 2 submissions from 2 submitters: Uncertain significance (2). Last evaluated 2025-09-09.

Conditions:
Charcot-Marie-Tooth disease recessive intermediate C. Also called: CHARCOT-MARIE-TOOTH NEUROPATHY, RECESSIVE INTERMEDIATE C. Identifiers: Orphanet 369867, MedGen C3809309, MONDO:0014154, OMIM 615376.
Neuronopathy, distal hereditary motor, autosomal recessive 4. Also called: Autosomal recessive lower motor neuron disease with childhood onset; NEUROPATHY, DISTAL HEREDITARY MOTOR, AUTOSOMAL RECESSIVE 4. Identifiers: Orphanet 206580, MedGen C1970211, MONDO:0012608, OMIM 611067.

Allele frequency attached by ClinVar (database versions not stated): TOPMed 0.00004.
gnomAD v4.1: 8 of 1,611,942 alleles (0.0005%); highest among the groups gnomAD compares: Non-Finnish European, 0.00068%; no homozygotes.

Submissions (2):

Women's Health and Genetics/Laboratory Corporation of America, LabCorp
Classification: Uncertain significance. Last evaluated: 2025-09-09. Review status: criteria provided, single submitter. Criteria: LabCorp Variant Classification Summary - May 2015. Collection method: clinical testing. Allele origin: germline.
Comment: Variant summary: PLEKHG5 c.34C>T (p.Pro12Ser) results in a non-conservative amino acid change in the encoded protein sequence. Algorithms developed to predict the effect of missense changes on protein structure and function are either unavailable or do not agree on the potential impact of this missense change. The variant allele was found at a frequency of 1.2e-05 in 249314 control chromosomes. The available data on variant occurrences in the general population are insufficient to allow any conclusion about variant significance. To our knowledge, no occurrence of c.34C>T in individuals affected with PLEKHG5-related conditions and no experimental evidence demonstrating its impact on protein function have been reported. ClinVar contains an entry for this variant (Variation ID: 568771). Based on the evidence outlined above, the variant was classified as uncertain significance.

Labcorp Genetics (formerly Invitae), Labcorp
Classification: Uncertain significance for Neuronopathy, distal hereditary motor, autosomal recessive 4; Charcot-Marie-Tooth disease recessive intermediate C. Last evaluated: 2022-05-31. Review status: criteria provided, single submitter. Criteria: Invitae Variant Classification Sherloc (09022015). Collection method: clinical testing. Allele origin: germline.
Comment: This sequence change replaces proline, which is neutral and non-polar, with serine, which is neutral and polar, at codon 12 of the PLEKHG5 protein (p.Pro12Ser). This variant is present in population databases (no rsID available, gnomAD 0.003%). This variant has not been reported in the literature in individuals affected with PLEKHG5-related conditions. ClinVar contains an entry for this variant (Variation ID: 568771). Algorithms developed to predict the effect of missense changes on protein structure and function are either unavailable or do not agree on the potential impact of this missense change (SIFT: "Deleterious"; PolyPhen-2: "Benign"; Align-GVGD: "Class C0"). In summary, the available evidence is currently insufficient to determine the role of this variant in disease. Therefore, it has been classified as a Variant of Uncertain Significance.

NM_020631.6(PLEKHG5):c.34C>T (p.Pro12Ser)

Genes: PLEKHG5 (pleckstrin homology and RhoGEF domain containing G5; minus strand), LOC126805598 (MED14-independent group 3 enhancer GRCh37_chr1:6536823-6538022; plus strand). Cytogenetic location: 1p36.31.
Variant type: single nucleotide variant.
Coding change: c.34C>T on transcript NM_020631.6 (MANE Select); coding-DNA position 34, C replaced by T.
Protein change: p.Pro12Ser; replaces proline 12 with serine.
Molecular consequence: missense variant.
Genome position (GRCh38, 1-based): chr1:6,477,538, G>A on the plus strand (C>T on the coding strand, the complement: PLEKHG5 is on the minus strand). VCF-style: chr1-6477538-G-A. GRCh37 (hg19) VCF-style: chr1-6537598-G-A.
Other names: c.145C>T, p.Pro49Ser (NM_001042663.3, NM_001265592.2); c.34C>T, p.Pro12Ser (NM_001042664.2, NM_001042665.2, NM_001265594.3 and 1 more transcripts); c.241C>T, p.Pro81Ser (NM_001265593.2); short protein forms P12S, P81S, P49S.
Identifiers: ClinVar variation 568771 (VCV000568771.7), dbSNP rs140687324, ClinGen allele CA338141855.